The following is an entry in ClinVar:

ClinVar aggregate classification (germline): Uncertain significance (1 of 4 stars; one submission).

Submission:

Labcorp Genetics (formerly Invitae), Labcorp
Classification: Uncertain significance. Last evaluated: 2022-09-13. Review status: criteria provided, single submitter. Criteria: Invitae Variant Classification Sherloc (09022015). Collection method: clinical testing. Allele origin: germline.
Comment: This sequence change creates a premature translational stop signal (p.Tyr1183Argfs*55) in the NPHS1 gene. While this is not anticipated to result in nonsense mediated decay, it is expected to disrupt the last 59 amino acid(s) of the NPHS1 protein. This variant is not present in population databases (gnomAD no frequency). This variant has not been reported in the literature in individuals affected with NPHS1-related conditions. Experimental studies and prediction algorithms are not available or were not evaluated, and the functional significance of this variant is currently unknown. Algorithms developed to predict the effect of sequence changes on RNA splicing suggest that this variant may create or strengthen a splice site. This variant disrupts a region of the NPHS1 protein in which other variant(s) (p.Trp1205Glyfs*32) have been observed in individuals with NPHS1-related conditions (PMID: 21415313). This suggests that this is a clinically significant region of the protein, and that variants that disrupt it are likely to be disease-causing. In summary, the available evidence is currently insufficient to determine the role of this variant in disease. Therefore, it has been classified as a Variant of Uncertain Significance.

Literature cited by the submitters: PubMed 21415313.

NM_004646.4(NPHS1):c.3544_3545dup (p.Tyr1183fs)

Gene: NPHS1 (NPHS1 adhesion molecule, nephrin; minus strand). Cytogenetic location: 19q13.12.
Variant type: Duplication.
Coding change: c.3544_3545dup on transcript NM_004646.4 (MANE Select); coding-DNA positions 3544 to 3545, 2 bases duplicated (AC; older notation c.3544_3545dupAC).
Protein change: p.Tyr1183fs; shifts the reading frame from tyrosine 1183.
Molecular consequence: frameshift variant.
Genome position (GRCh38, 1-based): chr19:35,830,893-35,830,894, GT duplicated on the plus strand (AC on the coding strand, the reverse complement: NPHS1 is on the minus strand). VCF-style (leftmost placement, unchanged base first): chr19-35830892-C-CGT. GRCh37 (hg19) VCF-style: chr19-36321794-C-CGT.
Other names: short protein forms Y1183fs.
Identifiers: ClinVar variation 1937348 (VCV001937348.2), dbSNP rs2513754474, ClinGen allele CA2580096858.